The following is an entry in ClinVar:

NM_001048174.2(MUTYH):c.203T>C (p.Phe68Ser)

Gene: MUTYH (mutY DNA glycosylase; minus strand). Cytogenetic location: 1p34.1.
Variant type: single nucleotide variant.
Coding change: c.203T>C on transcript NM_001048174.2 (MANE Select); coding-DNA position 203, T replaced by C.
Protein change: p.Phe68Ser; replaces phenylalanine 68 with serine.
Molecular consequence: missense variant. On other transcripts: 5 prime UTR variant (4), non-coding transcript variant (2).
Genome position (GRCh38, 1-based): chr1:45,333,474, A>G on the plus strand (T>C on the coding strand, the complement: MUTYH is on the minus strand). VCF-style: chr1-45333474-A-G. GRCh37 (hg19) VCF-style: chr1-45799146-A-G.
Other names: c.203T>C, p.Phe68Ser (NM_001048171.2, NM_001048173.2, NM_001293195.2); c.206T>C, p.Phe69Ser (NM_001048172.2); c.287T>C, p.Phe96Ser (NM_001128425.2); c.248T>C, p.Phe83Ser (NM_001293190.2); c.236T>C, p.Phe79Ser (NM_001293191.2); c.-74T>C (NM_001293192.2, NM_001293196.2); c.-69T>C (NM_001350650.2, NM_001350651.2); c.278T>C, p.Phe93Ser (NM_012222.3); short protein forms F69S, F93S, F83S, F79S, F68S, F96S.
Identifiers: ClinVar variation 821944 (VCV000821944.15), dbSNP rs750954949, ClinGen allele CA057238.

ClinVar aggregate classification (germline): Conflicting classifications of pathogenicity. Review status: criteria provided, conflicting classifications (1 of 4 stars). 3 submissions from 3 submitters: Likely pathogenic (2); Uncertain significance (1). Last evaluated 2026-09-03.

Conditions:
Hereditary cancer-predisposing syndrome. Also called: Hereditary neoplastic syndrome; Neoplastic Syndromes, Hereditary; Tumor predisposition; Hereditary Cancer Syndrome. Identifiers: Orphanet 140162, MedGen C0027672, MeSH D009386, MONDO:0015356.
Familial adenomatous polyposis 2. Also called: MYH-associated polyposis; MUTYH-associated polyposis; FAP type 2; MUTYH Polyposis; Adenomas, multiple colorectal; MUTYH-related attenuated familial adenomatous polyposis. Identifiers: Orphanet 220460, Orphanet 247798, MedGen C3272841, MONDO:0012041, OMIM 608456.

Allele frequency attached by ClinVar (database versions not stated): ExAC 0.00001; gnomAD 0.00001.

Submissions (3):

Myriad Genetics, Inc.
Classification: Likely pathogenic for Familial adenomatous polyposis 2. Last evaluated: 2026-09-03. Review status: criteria provided, single submitter. Criteria: Myriad Autosomal Dominant, Autosomal Recessive and X-Linked Classification Criteria (2023). Collection method: clinical testing. Allele origin: unknown.
Comment: This variant is considered likely pathogenic. Functional studies indicate this variant impacts protein function [PMID: 40738107]. This variant is expected to disrupt protein structure [Myriad internal data]. This variant has been reported in an individual with clinical features of gene-specific disease [PMID: 34704405].

Ambry Genetics
Classification: Likely pathogenic for Hereditary cancer-predisposing syndrome. Last evaluated: 2025-08-15. Review status: criteria provided, single submitter. Criteria: Ambry Variant Classification Scheme 2023. Collection method: clinical testing. Allele origin: germline.
Comment: The p.F96S variant (also known as c.287T>C), located in coding exon 3 of the MUTYH gene, results from a T to C substitution at nucleotide position 287. The phenylalanine at codon 96 is replaced by serine, an amino acid with highly dissimilar properties. In a massively parallel cell-based functional assay testing 7,8-dihydro-8-oxoguanine:adenine (8OG:A) repair activity, a byproduct of oxidative damage, this variant was reported to be non-functional (Hemker SL et al. Am J Hum Genet. Published online July 29, 2025. DOI: 10.1016/j.ajhg.2025.07.005). This amino acid position is not well conserved in available vertebrate species. In addition, this alteration is predicted to be deleterious by in silico analysis. This variant is considered to be rare based on population cohorts in the Genome Aggregation Database (gnomAD). Based on the majority of available evidence to date, this variant is likely to be pathogenic.

Labcorp Genetics (formerly Invitae), Labcorp
Classification: Uncertain significance for Familial adenomatous polyposis 2. Last evaluated: 2022-12-24. Review status: criteria provided, single submitter. Criteria: Invitae Variant Classification Sherloc (09022015). Collection method: clinical testing. Allele origin: germline.
Comment: This sequence change replaces phenylalanine, which is neutral and non-polar, with serine, which is neutral and polar, at codon 96 of the MUTYH protein (p.Phe96Ser). This variant is not present in population databases (gnomAD no frequency). This missense change has been observed in individual(s) with clinical features of MUTYH associated polyposis (PMID: 34704405). ClinVar contains an entry for this variant (Variation ID: 821944). Algorithms developed to predict the effect of missense changes on protein structure and function (SIFT, PolyPhen-2, Align-GVGD) all suggest that this variant is likely to be disruptive. In summary, the available evidence is currently insufficient to determine the role of this variant in disease. Therefore, it has been classified as a Variant of Uncertain Significance.

Literature cited by the submitters: PubMed 40738107 (cited by Myriad Genetics, Inc. and Ambry Genetics); PubMed 34704405 (cited by Myriad Genetics, Inc. and Labcorp Genetics (formerly Invitae), Labcorp).